The following is an entry in ClinVar:

NM_080680.3(COL11A2):c.2817G>A (p.Met939Ile)

Gene: COL11A2 (collagen type XI alpha 2 chain; minus strand). Cytogenetic location: 6p21.32.
Variant type: single nucleotide variant.
Coding change: c.2817G>A on transcript NM_080680.3 (MANE Select); coding-DNA position 2817, G replaced by A.
Protein change: p.Met939Ile; replaces methionine 939 with isoleucine.
Molecular consequence: missense variant.
Genome position (GRCh38, 1-based): chr6:33,172,611, C>T on the plus strand (G>A on the coding strand, the complement: COL11A2 is on the minus strand). VCF-style: chr6-33172611-C-T. GRCh37 (hg19) VCF-style: chr6-33140388-C-T.
Other names: c.2637G>A, p.Met879Ile (NM_001424108.1); c.1971G>A, p.Met657Ile (NM_001424109.1); c.1791G>A, p.Met597Ile (NM_001424110.1, NM_001424111.1); c.771G>A, p.Met257Ile (NM_001424112.1); c.2496G>A, p.Met832Ile (NM_080679.3); c.2559G>A, p.Met853Ile (NM_080681.3); short protein forms M832I, M257I, M597I, M657I, M939I, M853I, M879I.
Identifiers: ClinVar variation 2824343 (VCV002824343.3), dbSNP rs536659371, ClinGen allele CA137067979.

ClinVar aggregate classification (germline): Uncertain significance (1 of 4 stars; one submission).

Allele frequency attached by ClinVar (database versions not stated): 1000 Genomes Project 0.00020; 1000 Genomes Project 30x 0.00031.
gnomAD v4.1: 5 of 1,612,718 alleles (0.00031%); highest among the groups gnomAD compares: African/African-American, 0.0013%; no homozygotes.

Submission:

Labcorp Genetics (formerly Invitae), Labcorp
Classification: Uncertain significance. Last evaluated: 2022-12-26. Review status: criteria provided, single submitter. Criteria: Invitae Variant Classification Sherloc (09022015). Collection method: clinical testing. Allele origin: germline.
Comment: In summary, the available evidence is currently insufficient to determine the role of this variant in disease. Therefore, it has been classified as a Variant of Uncertain Significance. Advanced modeling of protein sequence and biophysical properties (such as structural, functional, and spatial information, amino acid conservation, physicochemical variation, residue mobility, and thermodynamic stability) performed at Invitae indicates that this missense variant is not expected to disrupt COL11A2 protein function. This variant has not been reported in the literature in individuals affected with COL11A2-related conditions. This variant is present in population databases (rs536659371, gnomAD 0.004%). This sequence change replaces methionine, which is neutral and non-polar, with isoleucine, which is neutral and non-polar, at codon 939 of the COL11A2 protein (p.Met939Ile).